The following is an entry in ClinVar:

NM_001267550.2(TTN):c.53625A>G (p.Thr17875=)

Genes: TTN (titin; minus strand), TTN-AS1 (TTN antisense RNA 1; plus strand). Cytogenetic location: 2q31.2.
Variant type: single nucleotide variant.
Coding change: c.53625A>G on transcript NM_001267550.2 (MANE Select); coding-DNA position 53625, A replaced by G.
Protein change: p.Thr17875=; no amino-acid change (threonine 17875 retained).
Molecular consequence: synonymous variant.
Genome position (GRCh38, 1-based): chr2:178,605,670, T>C on the plus strand (A>G on the coding strand, the complement: TTN is on the minus strand). VCF-style: chr2-178605670-T-C. GRCh37 (hg19) VCF-style: chr2-179470397-T-C.
Other names: c.48702A>G, p.Thr16234= (NM_001256850.1); c.26430A>G, p.Thr8810= (NM_003319.4); c.45921A>G, p.Thr15307= (NM_133378.4); c.26805A>G, p.Thr8935= (NM_133432.3); c.27006A>G, p.Thr9002= (NM_133437.4).
Identifiers: ClinVar variation 467255 (VCV000467255.32), dbSNP rs373277508, ClinGen allele CA1993765.

ClinVar aggregate classification (germline): Conflicting classifications of pathogenicity. Review status: criteria provided, conflicting classifications (1 of 4 stars). 6 submissions from 6 submitters: Uncertain significance (1); Likely benign (5). Last evaluated 2025-12-01.

Conditions:
Cardiovascular phenotype. Identifiers: MedGen CN230736.
Dilated cardiomyopathy 1G (CMD1G). Identifiers: Orphanet 154, MedGen C1858763, MONDO:0011400, OMIM 604145.
Autosomal recessive limb-girdle muscular dystrophy type 2J (LGMDR10). Also called: Limb-girdle muscular dystrophy, type 2J; MUSCULAR DYSTROPHY, LIMB-GIRDLE, AUTOSOMAL RECESSIVE 10. Identifiers: Orphanet 140922, MedGen C1837342, MONDO:0012127, OMIM 608807.

Allele frequency attached by ClinVar (database versions not stated): ExAC 0.00001; gnomAD 0.00001; gnomAD exomes 0.00001; TOPMed 0.00001; ESP Exome Variant Server 0.00008.
gnomAD v4.1: 12 of 1,604,748 alleles (0.00075%); highest among the groups gnomAD compares: Non-Finnish European, 0.001%; no homozygotes.

Submissions (6):

CeGaT Center for Human Genetics Tuebingen
Classification: Likely benign. Last evaluated: 2025-12-01. Review status: criteria provided, single submitter. Criteria: CeGaT Center For Human Genetics Tuebingen Variant Classification Criteria Version 2. Collection method: clinical testing. Allele origin: germline. Affected: yes. Observed: 1 variant allele.
Comment: TTN: BP4, BP7

Labcorp Genetics (formerly Invitae), Labcorp
Classification: Likely benign for Dilated cardiomyopathy 1G; Autosomal recessive limb-girdle muscular dystrophy type 2J. Last evaluated: 2025-11-21. Review status: criteria provided, single submitter. Criteria: Invitae Variant Classification Sherloc (09022015). Collection method: clinical testing. Allele origin: germline.

Ambry Genetics
Classification: Likely benign for Cardiovascular phenotype. Last evaluated: 2024-05-02. Review status: criteria provided, single submitter. Criteria: Ambry Variant Classification Scheme 2023. Collection method: clinical testing. Allele origin: germline.

GeneDx
Classification: Likely benign. Last evaluated: 2020-10-15. Review status: criteria provided, single submitter. Criteria: GeneDx Variant Classification Process June 2021. Collection method: clinical testing. Allele origin: germline. Affected: yes.

Eurofins Ntd Llc (ga)
Classification: Uncertain significance. Last evaluated: 2017-01-18. Review status: criteria provided, single submitter. Criteria: EGL Classification Definitions 2015. Collection method: clinical testing. Allele origin: germline. Observed: 1 variant allele, 1 heterozygote.

Laboratory for Molecular Medicine, Mass General Brigham Personalized Medicine
Classification: Likely benign. Last evaluated: 2012-03-19. Review status: criteria provided, single submitter. Criteria: LMM Criteria. Collection method: clinical testing. Allele origin: germline. Observed: 1 variant allele.
Comment: p.Thr15307Thr in Exon 228 of TTN: This variant is not expected to have clinical significance because it does not alter an amino acid residue, is not located wit hin the splice consensus sequence. It has been identified in 1/6658 European Ame rican chromosomes from a broad population by the NHLBI Exome Sequencing Project.